The following is an entry in ClinVar:

NM_001379081.2(FREM1):c.5093A>C (p.Asp1698Ala)

Gene: FREM1 (FRAS1 related extracellular matrix 1; minus strand). Cytogenetic location: 9p22.3.
Variant type: single nucleotide variant.
Coding change: c.5093A>C on transcript NM_001379081.2 (MANE Select); coding-DNA position 5093, A replaced by C.
Protein change: p.Asp1698Ala; replaces aspartic acid 1698 with alanine.
Molecular consequence: missense variant. On other transcripts: non-coding transcript variant (1).
Genome position (GRCh38, 1-based): chr9:14,769,835, T>G on the plus strand (A>C on the coding strand, the complement: FREM1 is on the minus strand). VCF-style: chr9-14769835-T-G. GRCh37 (hg19) VCF-style: chr9-14769833-T-G.
Other names: c.701A>C, p.Asp234Ala (NM_001177704.3, NM_001370058.2, NM_001370061.2); c.5093A>C, p.Asp1698Ala (NM_144966.7); short protein forms D1698A, D234A.
Identifiers: ClinVar variation 4681978 (VCV004681978.5).

ClinVar aggregate classification (germline): Uncertain significance (1 of 4 stars; one submission).

Submission:

CeGaT Center for Human Genetics Tuebingen
Classification: Uncertain significance. Last evaluated: 2025-12-01. Review status: criteria provided, single submitter. Criteria: CeGaT Center For Human Genetics Tuebingen Variant Classification Criteria Version 2. Collection method: clinical testing. Allele origin: germline. Affected: yes. Observed: 1 variant allele.
Comment: FREM1: PM2, BP4